The following is an entry in ClinVar:

ClinVar aggregate classification (germline): Pathogenic (1 of 4 stars; one submission).

Conditions:
CHARGE syndrome (CHARGE). Also called: Hittner Hirsch Kreh syndrome; CHARGE ASSOCIATION--COLOBOMA, HEART ANOMALY, CHOANAL ATRESIA, RETARDATION, GENITAL AND EAR ANOMALIES; Coloboma, heart anomaly, choanal atresia, retardation, genital and ear anomalies; CHARGE association; Hall-Hittner syndrome. Identifiers: Orphanet 138, MedGen C0265354, MONDO:0008965.

Submission:

Labcorp Genetics (formerly Invitae), Labcorp
Classification: Pathogenic for CHARGE syndrome. Last evaluated: 2015-10-29. Review status: criteria provided, single submitter. Criteria: Invitae Variant Classification Sherloc (09022015). Collection method: clinical testing. Allele origin: germline.
Comment: For these reasons, this variant has been classified as Pathogenic. While this particular variant has not been reported in the literature, truncating variants in CHD7 are known to be pathogenic (PMID: 22461308). This sequence change inserts 4 nucleotide in exon 31 of the CHD7 mRNA (c.6730_6733dupAAGC), causing a frameshift at codon 2245. This creates a premature translational stop signal (p.Leu2245Glnfs*5) and is expected to result in an absent or disrupted protein product.

Literature cited by the submitters: PubMed 22461308.

NM_017780.4(CHD7):c.6730_6733dup (p.Leu2245fs)

Gene: CHD7 (chromodomain helicase DNA binding protein 7; plus strand). Cytogenetic location: 8q12.2.
Variant type: Duplication.
Coding change: c.6730_6733dup on transcript NM_017780.4 (MANE Select); coding-DNA positions 6730 to 6733, 4 bases duplicated (AAGC; older notation c.6730_6733dupAAGC).
Protein change: p.Leu2245fs; shifts the reading frame from leucine 2245.
Molecular consequence: frameshift variant. On other transcripts: intron variant (1).
Genome position (GRCh38, 1-based): chr8:60,853,455-60,853,458, AAGC duplicated. VCF-style (leftmost placement, unchanged base first): chr8-60853454-A-AAAGC. GRCh37 (hg19) VCF-style: chr8-61766013-A-AAAGC.
Other names: c.1717-8774_1717-8771dup (NM_001316690.1); short protein forms L2245fs.
Identifiers: ClinVar variation 1068615 (VCV001068615.9), dbSNP rs2150811416, ClinGen allele CA2499219374.